The following is an entry in ClinVar:

NM_000264.5(PTCH1):c.1355dup (p.Tyr452Ter)

Gene: PTCH1 (patched 1; minus strand). Cytogenetic location: 9q22.32.
Variant type: Duplication.
Coding change: c.1355dup on transcript NM_000264.5 (MANE Select); coding-DNA position 1355, one base duplicated (A; older notation c.1355dupA).
Protein change: p.Tyr452Ter; replaces tyrosine 452 with a stop codon.
Molecular consequence: nonsense. On other transcripts: non-coding transcript variant (1), intron variant (1).
Genome position (GRCh38, 1-based): chr9:95,477,695, T duplicated on the plus strand (A on the coding strand, the reverse complement: PTCH1 is on the minus strand). VCF-style (leftmost placement, unchanged base first): chr9-95477694-A-AT. GRCh37 (hg19) VCF-style: chr9-98239976-A-AT.
Other names: c.1157dup, p.Tyr386Ter (NM_001083602.3); c.1352dup, p.Tyr451Ter (NM_001083603.3); c.902dup, p.Tyr301Ter (NM_001083604.3, NM_001083605.3, NM_001083606.3 and 1 more transcripts); c.1347+360dup (NM_001354918.2); short protein forms Y452*, Y301*, Y386*, Y451*.
Identifiers: ClinVar variation 2067892 (VCV002067892.4), dbSNP rs2538206174, ClinGen allele CA2580080838.
Genomic context (GRCh38, chr9:95,477,694, plus strand): 5'-AGCCAGCCCCACGGCACCCTGGGACTTGGAGCAGTCCCAGCGCAGCATGGTTAGACAGGC[A>AT]TAGGCGAGCTGCAAGCAGAACAATGGGGGCACAGAACAAAAGCCGAACATTAGAATGTGT-3'

ClinVar aggregate classification (germline): Pathogenic (1 of 4 stars; one submission).

Conditions:
Gorlin syndrome. Also called: Basal cell nevus syndrome; Nevoid Basal Cell Carcinoma Syndrome. Identifiers: Orphanet 377, MedGen C0004779, MONDO:0007187.

Submission:

Labcorp Genetics (formerly Invitae), Labcorp
Classification: Pathogenic for Gorlin syndrome. Last evaluated: 2022-02-03. Review status: criteria provided, single submitter. Criteria: Invitae Variant Classification Sherloc (09022015). Collection method: clinical testing. Allele origin: germline.
Comment: This sequence change creates a premature translational stop signal (p.Tyr452*) in the PTCH1 gene. It is expected to result in an absent or disrupted protein product. Loss-of-function variants in PTCH1 are known to be pathogenic (PMID: 16301862, 16419085). This variant is not present in population databases (gnomAD no frequency). This variant has not been reported in the literature in individuals affected with PTCH1-related conditions. For these reasons, this variant has been classified as Pathogenic.

Literature cited by the submitters: PubMed 16301862; PubMed 16419085.